The following is an entry in ClinVar:

NM_000038.6(APC):c.711C>T (p.Ser237=)

Gene: APC (APC regulator of Wnt signaling pathway; plus strand). Cytogenetic location: 5q22.2.
Variant type: single nucleotide variant.
Coding change: c.711C>T on transcript NM_000038.6 (MANE Select); coding-DNA position 711, C replaced by T.
Protein change: p.Ser237=; no amino-acid change (serine 237 retained).
Molecular consequence: synonymous variant. On other transcripts: 5 prime UTR variant (4), non-coding transcript variant (2), intron variant (5).
Genome position (GRCh38, 1-based): chr5:112,792,511, C>T. VCF-style: chr5-112792511-C-T. GRCh37 (hg19) VCF-style: chr5-112128208-C-T.
Other names: c.741C>T, p.Ser247= (NM_001354902.2, NM_001354897.2, NM_001407446.1); c.711C>T, p.Ser237= (NM_001354903.2, NM_001127510.3, NM_001354895.2 and 12 more transcripts); c.636C>T, p.Ser212= (NM_001354904.2, NM_001354898.2, NM_001407451.1); c.534C>T, p.Ser178= (NM_001354905.2, NM_001354900.2, NM_001354901.2 and 1 more transcripts); c.-325C>T (NM_001354906.2, NM_001407470.1, NM_001407471.1 and 1 more transcripts); c.646-8768C>T (NM_001407452.1, NM_001407469.1, NM_001354899.2 and 1 more transcripts); c.676-8768C>T (NM_001127511.3).
Identifiers: ClinVar variation 3074752 (VCV003074752.2), dbSNP rs758646398, ClinGen allele CA445755584.

ClinVar aggregate classification (germline): Likely benign. Review status: criteria provided, multiple submitters, no conflicts (2 of 4 stars). 2 submissions from 2 submitters: Likely benign (2). Last evaluated 2025-08-11.

Conditions:
Familial adenomatous polyposis 1 (FAP1). Also called: POLYPOSIS, ADENOMATOUS INTESTINAL; FAMILIAL ADENOMATOUS POLYPOSIS 1, ATTENUATED. Identifiers: MedGen C2713442, MONDO:0021056, OMIM 175100. Disease mechanism: loss of function.
Classic or attenuated familial adenomatous polyposis. Identifiers: MedGen CN372698, MONDO:0021057.

Submissions (2):

Labcorp Genetics (formerly Invitae), Labcorp
Classification: Likely benign for Familial adenomatous polyposis 1. Last evaluated: 2025-08-11. Review status: criteria provided, single submitter. Criteria: Invitae Variant Classification Sherloc (09022015). Collection method: clinical testing. Allele origin: germline.

All of Us Research Program, National Institutes of Health
Classification: Likely benign for Classic or attenuated familial adenomatous polyposis. Last evaluated: 2023-12-13. Review status: criteria provided, single submitter. Criteria: ACMG Guidelines, 2015. Collection method: clinical testing. Allele origin: germline. Inheritance: Autosomal dominant inheritance. Observed: 1 variant allele, 1 heterozygote.
Comment: This study involves interpretation of variants in research participants for the purpose of population health screening. Participant phenotype was not available at the time of variant classification. Additional details can be found in publication PMID: 35346344, PMCID: PMC8962531